The following is an entry in ClinVar:

ClinVar aggregate classification (germline): Uncertain significance. Review status: criteria provided, multiple submitters, no conflicts (2 of 4 stars). 2 submissions from 2 submitters: Uncertain significance (2). Last evaluated 2025-02-12.

Conditions:
Catecholaminergic polymorphic ventricular tachycardia (CVPT). Also called: Catecholamine-induced polymorphic ventricular tachycardia. Identifiers: Orphanet 3286, MedGen C5574922, MONDO:0017990.
Catecholaminergic polymorphic ventricular tachycardia 1. Also called: VENTRICULAR TACHYCARDIA, CATECHOLAMINERGIC POLYMORPHIC, 1, WITH OR WITHOUT ATRIAL DYSFUNCTION AND/OR DILATED CARDIOMYOPATHY; RYR2-Related Catecholaminergic Polymorphic Ventricular Tachycardia; VENTRICULAR TACHYCARDIA, STRESS-INDUCED POLYMORPHIC 1. Identifiers: Orphanet 3286, MedGen C1631597, MONDO:0011484, OMIM 604772.

Allele frequency attached by ClinVar (database versions not stated): gnomAD exomes below 0.00001.
gnomAD v4.1: 2 of 1,612,318 alleles (0.00012%); highest among the groups gnomAD compares: Non-Finnish European, 0.00017%; no homozygotes.

Submissions (2):

Labcorp Genetics (formerly Invitae), Labcorp
Classification: Uncertain significance for Catecholaminergic polymorphic ventricular tachycardia 1. Last evaluated: 2025-02-12. Review status: criteria provided, single submitter. Criteria: Invitae Variant Classification Sherloc (09022015). Collection method: clinical testing. Allele origin: germline.
Comment: This sequence change replaces histidine, which is basic and polar, with arginine, which is basic and polar, at codon 4396 of the RYR2 protein (p.His4396Arg). This variant is present in population databases (no rsID available, gnomAD 0.0009%). This variant has not been reported in the literature in individuals affected with RYR2-related conditions. ClinVar contains an entry for this variant (Variation ID: 404224). Invitae Evidence Modeling of protein sequence and biophysical properties (such as structural, functional, and spatial information, amino acid conservation, physicochemical variation, residue mobility, and thermodynamic stability) indicates that this missense variant is not expected to disrupt RYR2 protein function with a negative predictive value of 95%. In summary, the available evidence is currently insufficient to determine the role of this variant in disease. Therefore, it has been classified as a Variant of Uncertain Significance.

All of Us Research Program, National Institutes of Health
Classification: Uncertain significance for Catecholaminergic polymorphic ventricular tachycardia. Last evaluated: 2023-02-24. Review status: criteria provided, single submitter. Criteria: ACMG Guidelines, 2015. Collection method: clinical testing. Allele origin: germline. Inheritance: Autosomal dominant inheritance. Observed: 1 variant allele, 1 heterozygote.
Comment: This missense variant replaces histidine with arginine at codon 4396 of the RYR2 protein. Computational prediction suggests that this variant may have deleterious impact on protein structure and function (internally defined REVEL score threshold >= 0.7, PMID: 27666373). To our knowledge, functional studies have not been reported for this variant. This variant has not been reported in individuals affected with RYR2-related disorders in the literature. This variant has been identified in 1/244202 chromosomes in the general population by the Genome Aggregation Database (gnomAD). The available evidence is insufficient to determine the role of this variant in disease conclusively. Therefore, this variant is classified as a Variant of Uncertain Significance.

This study involves interpretation of variants in research participants for the purpose of population health screening. Participant phenotype was not available at the time of variant classification. Additional details can be found in publication PMID: 35346344, PMCID: PMC8962531

NM_001035.3(RYR2):c.13187A>G (p.His4396Arg)

Genes: RYR2 (ryanodine receptor 2; plus strand), LOC126806068 (BRD4-independent group 4 enhancer GRCh37_chr1:237947411-237948610; plus strand). Cytogenetic location: 1q43.
Variant type: single nucleotide variant.
Coding change: c.13187A>G on transcript NM_001035.3 (MANE Select); coding-DNA position 13187, A replaced by G.
Protein change: p.His4396Arg; replaces histidine 4396 with arginine.
Molecular consequence: missense variant.
Genome position (GRCh38, 1-based): chr1:237,784,899, A>G. VCF-style: chr1-237784899-A-G. GRCh37 (hg19) VCF-style: chr1-237948199-A-G.
Other names: c.13187A>G, p.His4396Arg (LRG_402t1); short protein forms H4396R.
Identifiers: ClinVar variation 404224 (VCV000404224.11), dbSNP rs1060500161, ClinGen allele CA16610034.